The following is an entry in ClinVar:

ClinVar aggregate classification (germline): Uncertain significance (1 of 4 stars; one submission).

Conditions:
UCP3-related disorder. Also called: UCP3-related condition.

gnomAD v4.1: 1 of 1,614,120 alleles (0.000062%); highest among the groups gnomAD compares: Non-Finnish European, 0.000085%; no homozygotes.

Submission:

PreventionGenetics, part of Exact Sciences
Classification: Uncertain significance for UCP3-related condition. Last evaluated: 2026-03-04. Review status: criteria provided, single submitter. Criteria: ACMG Guidelines, 2015. Collection method: clinical testing. Allele origin: germline.
Comment: The UCP3 c.339C>T variant is not predicted to result in an amino acid change (p.=). This variant is not predicted to alter splicing based on available splicing prediction programs (SpliceAI, Jaganathan et al. 2019. PubMed ID: 30661751). However, the use of computer prediction programs is not equivalent to functional evidence. To our knowledge, this variant has not been reported in the literature or in a large population database (gnomAD), indicating this variant is rare. At this time, the clinical significance of this variant is uncertain due to the absence of conclusive functional and genetic evidence.

NM_003356.4(UCP3):c.339C>T (p.Asn113=)

Gene: UCP3 (uncoupling protein 3; minus strand). Cytogenetic location: 11q13.4.
Variant type: single nucleotide variant.
Coding change: c.339C>T on transcript NM_003356.4 (MANE Select); coding-DNA position 339, C replaced by T.
Protein change: p.Asn113=; no amino-acid change (asparagine 113 retained).
Molecular consequence: synonymous variant.
Genome position (GRCh38, 1-based): chr11:74,005,932, G>A on the plus strand (C>T on the coding strand, the complement: UCP3 is on the minus strand). VCF-style: chr11-74005932-G-A. GRCh37 (hg19) VCF-style: chr11-73716977-G-A.
Other names: c.339C>T, p.Asn113= (NM_022803.3).
Identifiers: ClinVar variation 4992662 (VCV004992662.1).